The following is an entry in ClinVar:

NM_001303256.3(MORC2):c.815A>T (p.Tyr272Phe)

Gene: MORC2 (MORC family CW-type zinc finger 2; minus strand). Cytogenetic location: 22q12.2.
Variant type: single nucleotide variant.
Coding change: c.815A>T on transcript NM_001303256.3 (MANE Select); coding-DNA position 815, A replaced by T.
Protein change: p.Tyr272Phe; replaces tyrosine 272 with phenylalanine.
Molecular consequence: missense variant.
Genome position (GRCh38, 1-based): chr22:30,941,442, T>A on the plus strand (A>T on the coding strand, the complement: MORC2 is on the minus strand). VCF-style: chr22-30941442-T-A. GRCh37 (hg19) VCF-style: chr22-31337429-T-A.
Other names: c.815A>T, p.Tyr272Phe (NM_001303257.2); c.629A>T, p.Tyr210Phe (NM_014941.3); short protein forms Y210F, Y272F.
Identifiers: ClinVar variation 542283 (VCV000542283.9), dbSNP rs987083509, ClinGen allele CA323278084.

ClinVar aggregate classification (germline): Uncertain significance (1 of 4 stars; one submission).

Conditions:
Charcot-Marie-Tooth disease axonal type 2Z. Also called: CHARCOT-MARIE-TOOTH DISEASE, AXONAL, AUTOSOMAL DOMINANT, TYPE 2Z; CHARCOT-MARIE-TOOTH NEUROPATHY, TYPE 2Z. Identifiers: Orphanet 466768, MedGen C5569025, MONDO:0014736, OMIM 616688.

Allele frequency attached by ClinVar (database versions not stated): gnomAD 0.00001; gnomAD exomes below 0.00001; TOPMed 0.00001.
gnomAD v4.1: 3 of 1,613,814 alleles (0.00019%); highest among the groups gnomAD compares: Admixed American, 0.005%; no homozygotes.

Submission:

Labcorp Genetics (formerly Invitae), Labcorp
Classification: Uncertain significance for Charcot-Marie-Tooth disease axonal type 2Z. Last evaluated: 2019-06-07. Review status: criteria provided, single submitter. Criteria: Invitae Variant Classification Sherloc (09022015). Collection method: clinical testing. Allele origin: germline.
Comment: This sequence change replaces tyrosine with phenylalanine at codon 210 of the MORC2 protein (p.Tyr210Phe). The tyrosine residue is highly conserved and there is a small physicochemical difference between tyrosine and phenylalanine. This variant is not present in population databases (ExAC no frequency). This variant has not been reported in the literature in individuals with MORC2-related disease. Algorithms developed to predict the effect of missense changes on protein structure and function (SIFT, PolyPhen-2, Align-GVGD) all suggest that this variant is likely to be tolerated, but these predictions have not been confirmed by published functional studies and their clinical significance is uncertain. In summary, the available evidence is currently insufficient to determine the role of this variant in disease. Therefore, it has been classified as a Variant of Uncertain Significance.